The following is an entry in ClinVar:

ClinVar aggregate classification (germline): Uncertain significance. Review status: criteria provided, multiple submitters, no conflicts (2 of 4 stars). 2 submissions from 2 submitters: Uncertain significance (2). Last evaluated 2024-04-18.

Conditions:
Cardiovascular phenotype. Identifiers: MedGen CN230736.

Allele frequency attached by ClinVar (database versions not stated): gnomAD exomes below 0.00001.
gnomAD v4.1: 1 of 1,551,622 alleles (0.000064%); highest among the groups gnomAD compares: Non-Finnish European, 0.000087%; no homozygotes.

Submissions (2):

Ambry Genetics
Classification: Uncertain significance for Cardiovascular phenotype. Last evaluated: 2024-04-18. Review status: criteria provided, single submitter. Criteria: Ambry Variant Classification Scheme 2023. Collection method: clinical testing. Allele origin: germline.
Comment: The p.V1142M variant (also known as c.3424G>A), located in coding exon 12 of the RBM20 gene, results from a G to A substitution at nucleotide position 3424. The valine at codon 1142 is replaced by methionine, an amino acid with highly similar properties. This amino acid position is well conserved in available vertebrate species. In addition, the in silico prediction for this alteration is inconclusive. Based on the available evidence, the clinical significance of this variant remains unclear.

CeGaT Center for Human Genetics Tuebingen
Classification: Uncertain significance. Last evaluated: 2016-07-31. Review status: criteria provided, single submitter. Criteria: Praxis fuer Humangenetik Tuebingen - Variant Classification Criteria. Collection method: clinical testing. Allele origin: germline. Affected: yes. Observed: 1 variant allele.

NM_001134363.3(RBM20):c.3424G>A (p.Val1142Met)

Gene: RBM20 (RNA binding motif protein 20; plus strand). Cytogenetic location: 10q25.2.
Variant type: single nucleotide variant.
Coding change: c.3424G>A on transcript NM_001134363.3 (MANE Select); coding-DNA position 3424, G replaced by A.
Protein change: p.Val1142Met; replaces valine 1142 with methionine.
Molecular consequence: missense variant.
Genome position (GRCh38, 1-based): chr10:110,823,587, G>A. VCF-style: chr10-110823587-G-A. GRCh37 (hg19) VCF-style: chr10-112583345-G-A.
Other names: c.3424G>A (NM_001134363.1); short protein forms V1142M.
Identifiers: ClinVar variation 374767 (VCV000374767.4), dbSNP rs1057519239, ClinGen allele CA16043889.
Genomic context (GRCh38, chr10:110,823,587, plus strand): 5'-GAGTACACTGAAGTGGAACTGAAACAGCCCCTTTCTTTGCCCTCTTGGGAACCAGAGGAT[G>A]TGTTCAGTGAACTTAGCATTCCTCTAGGTAAGCAAAACACACAGTCTTTCCTGAAATTCA-3'
Protein context (NP_001127835.2, residues 1132-1152): LSLPSWEPED[Val1142Met]FSELSIPLGV